The following is an entry in ClinVar:

ClinVar aggregate classification (germline): Uncertain significance (1 of 4 stars; one submission).

Submission:

Labcorp Genetics (formerly Invitae), Labcorp
Classification: Uncertain significance. Last evaluated: 2024-05-07. Review status: criteria provided, single submitter. Criteria: Invitae Variant Classification Sherloc (09022015). Collection method: clinical testing. Allele origin: germline.
Comment: This sequence change replaces proline, which is neutral and non-polar, with serine, which is neutral and polar, at codon 637 of the SETBP1 protein (p.Pro637Ser). This variant is not present in population databases (gnomAD no frequency). This variant has not been reported in the literature in individuals affected with SETBP1-related conditions. Advanced modeling of protein sequence and biophysical properties (such as structural, functional, and spatial information, amino acid conservation, physicochemical variation, residue mobility, and thermodynamic stability) performed at Invitae indicates that this missense variant is not expected to disrupt SETBP1 protein function with a negative predictive value of 80%. In summary, the available evidence is currently insufficient to determine the role of this variant in disease. Therefore, it has been classified as a Variant of Uncertain Significance.

NM_015559.3(SETBP1):c.1909C>T (p.Pro637Ser)

Gene: SETBP1 (SET binding protein 1; plus strand). Cytogenetic location: 18q12.3.
Variant type: single nucleotide variant.
Coding change: c.1909C>T on transcript NM_015559.3 (MANE Select); coding-DNA position 1909, C replaced by T.
Protein change: p.Pro637Ser; replaces proline 637 with serine.
Molecular consequence: missense variant.
Genome position (GRCh38, 1-based): chr18:44,951,249, C>T. VCF-style: chr18-44951249-C-T. GRCh37 (hg19) VCF-style: chr18-42531214-C-T.
Other names: c.1909C>T, p.Pro637Ser (NM_001379141.1, NM_001379142.1, NM_001410862.1); short protein forms P637S.
Identifiers: ClinVar variation 3652489 (VCV003652489.2).